The following is an entry in ClinVar:

ClinVar aggregate classification (germline): Uncertain significance. Review status: criteria provided, multiple submitters, no conflicts (2 of 4 stars). 4 submissions from 4 submitters: Uncertain significance (4). Last evaluated 2026-01-06.

Conditions:
Arrhythmogenic right ventricular dysplasia 5. Also called: Arrhythmogenic Right Ventricular Dysplasia/Cardiomyopathy 5; ARRHYTHMOGENIC RIGHT VENTRICULAR DYSPLASIA, FAMILIAL, 5. Identifiers: MedGen C1858379, MONDO:0011459, OMIM 604400.
Cardiovascular phenotype. Identifiers: MedGen CN230736.

Allele frequency attached by ClinVar (database versions not stated): gnomAD exomes 0.00001; TOPMed 0.00001.
gnomAD v4.1: 10 of 1,614,196 alleles (0.00062%); highest among the groups gnomAD compares: South Asian, 0.0033%; no homozygotes.

Submissions (4):

Labcorp Genetics (formerly Invitae), Labcorp
Classification: Uncertain significance for Arrhythmogenic right ventricular dysplasia 5. Last evaluated: 2026-01-06. Review status: criteria provided, single submitter. Criteria: Invitae Variant Classification Sherloc (09022015). Collection method: clinical testing. Allele origin: germline.
Comment: This sequence change replaces alanine, which is neutral and non-polar, with valine, which is neutral and non-polar, at codon 365 of the TMEM43 protein (p.Ala365Val). This variant is not present in population databases (gnomAD no frequency). This variant has not been reported in the literature in individuals affected with TMEM43-related conditions. ClinVar contains an entry for this variant (Variation ID: 1339188). Invitae Evidence Modeling of protein sequence and biophysical properties (such as structural, functional, and spatial information, amino acid conservation, physicochemical variation, residue mobility, and thermodynamic stability) indicates that this missense variant is not expected to disrupt TMEM43 protein function with a negative predictive value of 80%. In summary, the available evidence is currently insufficient to determine the role of this variant in disease. Therefore, it has been classified as a Variant of Uncertain Significance.

Ambry Genetics
Classification: Uncertain significance for Cardiovascular phenotype. Last evaluated: 2025-12-02. Review status: criteria provided, single submitter. Criteria: Ambry Variant Classification Scheme 2023. Collection method: clinical testing. Allele origin: germline.

GeneDx
Classification: Uncertain significance. Last evaluated: 2025-02-05. Review status: criteria provided, single submitter. Criteria: GeneDx Variant Classification Process June 2021. Collection method: clinical testing. Allele origin: germline. Affected: yes.
Comment: Not observed at significant frequency in large population cohorts (gnomAD); In silico analysis supports that this missense variant has a deleterious effect on protein structure/function; Has not been previously published as pathogenic or benign to our knowledge

Neuberg Centre For Genomic Medicine, NCGM
Classification: Uncertain significance for Arrhythmogenic right ventricular dysplasia 5. Review status: criteria provided, single submitter. Criteria: ACMG Guidelines, 2015. Collection method: clinical testing. Allele origin: germline. Affected: yes.
Comment: The missense variant p.A365V in TMEM43 (NM_024334.2) has not been reported previously as a pathogenic variant nor as a benign variant, to our knowledge. The p.A365V variant is novel (not in any individuals) in gnomAD Exomes and is novel (not in any individuals) in 1000 Genomes. The p.A365V missense variant is predicted to be damaging by both SIFT and PolyPhen2. The nucleotide c.1094 in TMEM43 is predicted conserved by GERP++ and PhyloP across 100 vertebrates. For these reasons, this variant has been classified as Uncertain Significance.

NM_024334.3(TMEM43):c.1094C>T (p.Ala365Val)

Gene: TMEM43 (transmembrane protein 43; plus strand). Cytogenetic location: 3p25.1.
Variant type: single nucleotide variant.
Coding change: c.1094C>T on transcript NM_024334.3 (MANE Select); coding-DNA position 1094, C replaced by T.
Protein change: p.Ala365Val; replaces alanine 365 with valine.
Molecular consequence: missense variant.
Genome position (GRCh38, 1-based): chr3:14,141,686, C>T. VCF-style: chr3-14141686-C-T. GRCh37 (hg19) VCF-style: chr3-14183186-C-T.
Other names: c.1094C>T (NM_024334.2); short protein forms A365V.
Identifiers: ClinVar variation 1339188 (VCV001339188.8), dbSNP rs1052317732, ClinGen allele CA69738163.